The following is an entry in ClinVar:

ClinVar aggregate classification (germline): Pathogenic/Likely pathogenic. Review status: criteria provided, multiple submitters, no conflicts (2 of 4 stars). 5 submissions from 5 submitters: Pathogenic (4); Likely pathogenic (1). Last evaluated 2026-01-18.

Conditions:
Multiple acyl-CoA dehydrogenase deficiency (MADD). Also called: Glutaric aciduria, type 2; Glutaric Acidemia type 2; ETHYLMALONIC-ADIPICACIDURIA; GA II; Glutaric acidemia type II; GA 2. Identifiers: Orphanet 26791, MedGen C0268596, MONDO:0009282, OMIM 231680.
ETFDH-related disorder. Also called: ETFDH-related condition.
Glutaric acidemia type 2C.

Submissions (5):

Labcorp Genetics (formerly Invitae), Labcorp
Classification: Pathogenic for Multiple acyl-CoA dehydrogenase deficiency. Last evaluated: 2026-01-18. Review status: criteria provided, single submitter. Criteria: Invitae Variant Classification Sherloc (09022015). Collection method: clinical testing. Allele origin: germline.
Comment: This sequence change replaces tryptophan, which is neutral and slightly polar, with arginine, which is basic and polar, at codon 484 of the ETFDH protein (p.Trp484Arg). This variant is not present in population databases (gnomAD no frequency). This missense change has been observed in individual(s) with riboflavin responsive multiple acyl-CoA dehydrogenase deficiency (PMID: 25827849, 29988809, 30022752). In at least one individual the data is consistent with being in trans (on the opposite chromosome) from a pathogenic variant. ClinVar contains an entry for this variant (Variation ID: 847402). Invitae Evidence Modeling of protein sequence and biophysical properties (such as structural, functional, and spatial information, amino acid conservation, physicochemical variation, residue mobility, and thermodynamic stability) has been performed for this missense variant. However, the output from this modeling did not meet the statistical confidence thresholds required to predict the impact of this variant on ETFDH protein function. For these reasons, this variant has been classified as Pathogenic.

Natera, Inc.
Classification: Pathogenic for Glutaric acidemia type 2C. Last evaluated: 2025-12-12. Review status: criteria provided, single submitter. Criteria: Natera Variant Classification Schema (03/2026). Collection method: clinical testing. Allele origin: germline.
Comment: The c.1450T>C variant in ETFDH is a missense variant predicted to cause substitution of tryptophan to arginine at amino acid 484. This variant is rare in the general population with a frequency below the threshold expected for the associated phenotype(s). This variant has been observed in one or more individuals affected with the associated recessive disease, as either homozygous or compound heterozygous with a second variant (PMID: 26821934, 29988809). Computational prediction algorithms indicate this variant is likely to affect gene or protein function. Given the available evidence, this variant is classified as Pathogenic.

Baylor Genetics
Classification: Pathogenic for Multiple acyl-CoA dehydrogenase deficiency. Last evaluated: 2024-01-11. Review status: criteria provided, single submitter. Criteria: ACMG Guidelines, 2015. Collection method: clinical testing. Allele origin: unknown.

Blueprint Genetics
Classification: Likely pathogenic for ETFDH-related disorders. Last evaluated: 2023-11-17. Review status: criteria provided, single submitter. Criteria: ACMG Guidelines, 2015. Collection method: clinical testing. Allele origin: germline. Affected: yes. Observed: 1 variant allele.

Juno Genomics, Hangzhou Juno Genomics, Inc
Classification: Pathogenic for Multiple acyl-CoA dehydrogenase deficiency. Review status: criteria provided, single submitter. Criteria: ACMG Guidelines, 2015. Collection method: clinical testing. Allele origin: germline.
Comment: Absent from controls (or at extremely low frequency if recessive) in Genome Aggregation Database.;Multiple lines of computational evidence support a deleterious effect on the gene or gene product.;For recessive disorders, detected in trans with a pathogenic variant.;Patient's phenotype or family history is highly specific for a disease with a single genetic etiology.

Literature cited by the submitters: PubMed 25827849 (cited by Labcorp Genetics (formerly Invitae), Labcorp); PubMed 29988809 (cited by Labcorp Genetics (formerly Invitae), Labcorp and Natera, Inc.); PubMed 30022752 (cited by Labcorp Genetics (formerly Invitae), Labcorp); PubMed 26821934 (cited by Natera, Inc.).

NM_004453.4(ETFDH):c.1450T>C (p.Trp484Arg)

Gene: ETFDH (electron transfer flavoprotein dehydrogenase; plus strand). Cytogenetic location: 4q32.1.
Variant type: single nucleotide variant.
Coding change: c.1450T>C on transcript NM_004453.4 (MANE Select); coding-DNA position 1450, T replaced by C.
Protein change: p.Trp484Arg; replaces tryptophan 484 with arginine.
Molecular consequence: missense variant.
Genome position (GRCh38, 1-based): chr4:158,706,353, T>C. VCF-style: chr4-158706353-T-C. GRCh37 (hg19) VCF-style: chr4-159627505-T-C.
Other names: c.1309T>C, p.Trp437Arg (NM_001281737.2); c.1267T>C, p.Trp423Arg (NM_001281738.1); short protein forms W484R, W423R, W437R.
Identifiers: ClinVar variation 847402 (VCV000847402.15), dbSNP rs1774616485, ClinGen allele CA358564612.
Genomic context (GRCh38, chr4:158,706,353, plus strand): 5'-GTATATGGAGGGATGATTTACACTGGAATCTTTTACTGGATATTGAGAGGAATGGAGCCG[T>C]GGACTCTGAAACATAAAGGTAATTCAAACAAGAGTATGAGTGACATGATCATTAAAAATT-3'
Protein context (NP_004444.2, residues 474-494): FYWILRGMEP[Trp484Arg]TLKHKGSDFE